The following is an entry in ClinVar:

ClinVar aggregate classification (germline): Conflicting classifications of pathogenicity. Review status: criteria provided, conflicting classifications (1 of 4 stars). 11 submissions from 11 submitters: Uncertain significance (9); Likely benign (1). 1 of the submissions does not count toward it. Last evaluated 2025-12-09.

Conditions:
MUTYH-related disorder. Also called: MUTYH-related condition; MUTYH-related disorders.
Gastric cancer. Also called: Malignant tumor of stomach; Stomach cancer. Identifiers: MedGen C0024623, MeSH D013274, MONDO:0001056, OMIM 613659, HP:0012126.
Familial adenomatous polyposis 2. Also called: MUTYH-associated polyposis; MUTYH Polyposis; Adenomas, multiple colorectal; FAP type 2; ADENOMAS, MULTIPLE COLORECTAL, AUTOSOMAL RECESSIVE; COLORECTAL ADENOMATOUS POLYPOSIS, AUTOSOMAL RECESSIVE. Identifiers: Orphanet 220460, Orphanet 247798, MedGen C3272841, MONDO:0012041, OMIM 608456.
Hereditary cancer-predisposing syndrome. Also called: Hereditary Cancer Syndrome; Tumor predisposition; Neoplastic Syndromes, Hereditary; Hereditary neoplastic syndrome. Identifiers: Orphanet 140162, MedGen C0027672, MeSH D009386, MONDO:0015356.

Allele frequency attached by ClinVar (database versions not stated): gnomAD exomes 0.00001 and 0.00002; gnomAD 0.00001; ExAC 0.00002; TOPMed 0.00002.

Submissions (11):

Dasa
Classification: Uncertain significance. Last evaluated: 2025-12-09. Review status: criteria provided, single submitter. Criteria: DASA Assertion Criteria. Collection method: clinical testing. Allele origin: germline.
Comment: NM_001048174.2(MUTYH):c.467G>A (p.Arg156Gln) is a missense variant that results in the substitution of arginine with glutamine. Multiple computational predictions support a deleterious effect on the gene or gene product. The variant is present at low frequency in population datasets. Based on the available data, this variant is classified as variant of uncertain significance.

Labcorp Genetics (formerly Invitae), Labcorp
Classification: Uncertain significance for Familial adenomatous polyposis 2. Last evaluated: 2025-12-03. Review status: criteria provided, single submitter. Criteria: Invitae Variant Classification Sherloc (09022015). Collection method: clinical testing. Allele origin: germline.
Comment: This sequence change replaces arginine, which is basic and polar, with glutamine, which is neutral and polar, at codon 184 of the MUTYH protein (p.Arg184Gln). This variant is present in population databases (rs758567247, gnomAD 0.03%). This missense change has been observed in individual(s) with multiple colorectal adenomas and MUTYH-associated polyposis (PMID: 17252231, 27829682). This variant is also known as MYH R170Q. ClinVar contains an entry for this variant (Variation ID: 187723). An algorithm developed to predict the effect of missense changes on protein structure and function (PolyPhen-2) suggests that this variant is likely to be disruptive. RNA analysis performed to evaluate the impact of this missense change on mRNA splicing indicates it does not significantly alter splicing (internal data). In summary, the available evidence is currently insufficient to determine the role of this variant in disease. Therefore, it has been classified as a Variant of Uncertain Significance.

PreventionGenetics, part of Exact Sciences
Classification: Uncertain significance for MUTYH-related condition. Last evaluated: 2025-11-21. Review status: criteria provided, single submitter. Criteria: ACMG Guidelines, 2015. Collection method: clinical testing. Allele origin: germline.
Comment: The MUTYH c.551G>A variant is predicted to result in the amino acid substitution p.Arg184Gln. This variant has been reported in an individual with colorectal adenoma (Kim et al. 2007. PubMed ID: 17252231), an individual with MUTYH-associated polyposis (Ricci et al. 2016. PubMed ID: 27829682), an individual with pancreatic cancer (Terashima et al. 2022. PubMed ID: 36135357), an individual with breast and ovarian cancer (Table S1, Kwong et al. 2020. PubMed ID: 32068069), and an individual in a cohort of cancer patients (eTable, Mandelker et al. 2017. PubMed ID: 28873162). To our knowledge, functional studies have not been performed for this variant. This variant is reported in 0.029% of alleles in individuals of Ashkenazi Jewish descent in gnomAD and is interpreted as uncertain in ClinVar (Variation ID: 187723). At this time, the clinical significance of this variant is uncertain due to the absence of conclusive functional and genetic evidence.

Ambry Genetics
Classification: Likely benign for Hereditary cancer-predisposing syndrome. Last evaluated: 2025-09-17. Review status: criteria provided, single submitter. Criteria: Ambry Variant Classification Scheme 2023. Collection method: clinical testing. Allele origin: germline.

Color Diagnostics, LLC DBA Color Health
Classification: Uncertain significance for Hereditary cancer-predisposing syndrome. Last evaluated: 2025-06-11. Review status: criteria provided, single submitter. Criteria: ACMG Guidelines, 2015. Collection method: clinical testing. Allele origin: germline.
Comment: This missense variant replaces arginine with glutamine at codon 184 of the MUTYH protein. Computational prediction suggests that this variant may have deleterious impact on protein structure and function. To our knowledge, functional studies have not been performed for this variant. This variant has been reported in individuals affected with multiple colorectal adenomas or colorectal cancer (PMID: 17252231, 27829682) and metastatic pancreatic adenocarcinoma (PMID: 36135357). This variant has been identified in 5/282822 chromosomes in the general population by the Genome Aggregation Database (gnomAD). The available evidence is insufficient to determine the role of this variant in disease conclusively. Therefore, this variant is classified as a Variant of Uncertain Significance.

All of Us Research Program, National Institutes of Health
Classification: Uncertain significance for Familial adenomatous polyposis 2. Last evaluated: 2024-08-30. Review status: criteria provided, single submitter. Criteria: ACMG Guidelines, 2015. Collection method: clinical testing. Allele origin: germline. Inheritance: Autosomal recessive inheritance. Observed: 7 variant alleles, 7 heterozygotes.
Comment: This missense variant replaces arginine with glutamine at codon 184 of the MUTYH protein. Computational prediction suggests that this variant may have deleterious impact on protein structure and function (internally defined REVEL score threshold >= 0.7, PMID: 27666373). To our knowledge, functional studies have not been performed for this variant. This variant has been reported in individuals affected with multiple colorectal adenomas or colorectal cancer (PMID: 17252231, 27829682) and metastatic pancreatic adenocarcinoma (PMID: 36135357). This variant has been identified in 5/282822 chromosomes in the general population by the Genome Aggregation Database (gnomAD). The available evidence is insufficient to determine the role of this variant in disease conclusively. Therefore, this variant is classified as a Variant of Uncertain Significance.

This study involves interpretation of variants in research participants for the purpose of population health screening. Participant phenotype was not available at the time of variant classification. Additional details can be found in publication PMID: 35346344, PMCID: PMC8962531

Fulgent Genetics
Classification: Uncertain significance for Familial adenomatous polyposis 2; Gastric cancer. Last evaluated: 2024-01-16. Review status: criteria provided, single submitter. Criteria: ACMG Guidelines, 2015. Collection method: clinical testing. Allele origin: germline.

Quest Diagnostics Nichols Institute San Juan Capistrano
Classification: Uncertain significance. Last evaluated: 2022-09-28. Review status: criteria provided, single submitter. Criteria: Quest Diagnostics criteria. Collection method: clinical testing. Allele origin: unknown.
Comment: The frequency of this variant in the general population, 0.00029 (3/10370 chromosomes), is uninformative in assessment of its pathogenicity. In the published literature, the variant has been reported in affected individuals with colorectal cancer and colorectal polyps (PMIDs: 27829682 (2016) and 17252231 (2007)). It has also been reported in individuals with breast and/or ovarian cancer (PMID: 32068069 (2020), as well as in a breast cancer case and control individuals in a large scale breast cancer association study (PMID: 33471991 (2021), see also LOVD). Analysis of this variant using bioinformatics tools for the prediction of the effect of amino acid changes on protein structure and function yielded predictions that this variant is damaging. Based on the available information, we are unable to determine the clinical significance of this variant.

Sema4
Classification: Uncertain significance for Hereditary cancer-predisposing syndrome. Last evaluated: 2021-07-23. Review status: criteria provided, single submitter. Criteria: Sema4 Curation Guidelines. Collection method: curation. Allele origin: germline.
Comment: The MUTYH c.551G>A (p.R184Q) variant has been reported in heterozygosity in at least four individuals with colorectal adenomas, MUTYH-associated polyposis, and/or breast cancer (PMID: 17252231, 27829682, 28873162, 32068069) and has also been identified in healthy individuals (PMID: 32980694). It is also known as c.509G>A (p.R170Q) in the literature. This variant was observed in 3/10370 chromosomes in the Ashkenazi Jewish population, with no homozygotes, according to the Genome Aggregation Database (PMID: 32461654). Functional studies have not been performed, and in silico predictions of the variant's effect on protein function suggest a deleterious effect. Based on the current evidence available, this variant is interpreted as a variant of uncertain significance.

GeneDx
Classification: Uncertain significance. Last evaluated: 2020-04-29. Review status: criteria provided, single submitter. Criteria: GeneDx Variant Classification Process June 2021. Collection method: clinical testing. Allele origin: germline. Affected: yes.
Comment: Observed in individuals with a personal history of colorectal cancer and/or polyps (Kim 2007, Ricci 2017); In silico analysis supports that this missense variant has a deleterious effect on protein structure/function; Also known as p.Arg170Gln or p.Arg181Gln; This variant is associated with the following publications: (PMID: 17252231, 27829682)

Counsyl
Classification: Uncertain significance for Familial adenomatous polyposis 2. Last evaluated: 2016-12-28. Review status: no assertion criteria provided. Collection method: clinical testing. Allele origin: unknown. Not counted in ClinVar's aggregate classification.

Literature cited by the submitters: PubMed 17252231 (cited by 7 submitters); PubMed 27829682 (cited by 6 submitters); PubMed 36135357 (cited by Color Diagnostics, LLC DBA Color Health and All of Us Research Program, National Institutes of Health); PubMed 32068069 (cited by Quest Diagnostics Nichols Institute San Juan Capistrano and Sema4); PubMed 28873162 (cited by Quest Diagnostics Nichols Institute San Juan Capistrano and Sema4); PubMed 33471991 (cited by Quest Diagnostics Nichols Institute San Juan Capistrano); PubMed 32980694 (cited by Sema4).

NM_001048174.2(MUTYH):c.467G>A (p.Arg156Gln)

Gene: MUTYH (mutY DNA glycosylase; minus strand). Cytogenetic location: 1p34.1.
Variant type: single nucleotide variant.
Coding change: c.467G>A on transcript NM_001048174.2 (MANE Select); coding-DNA position 467, G replaced by A.
Protein change: p.Arg156Gln; replaces arginine 156 with glutamine.
Molecular consequence: missense variant. On other transcripts: non-coding transcript variant (2).
Genome position (GRCh38, 1-based): chr1:45,332,788, C>T on the plus strand (G>A on the coding strand, the complement: MUTYH is on the minus strand). VCF-style: chr1-45332788-C-T. GRCh37 (hg19) VCF-style: chr1-45798460-C-T.
Other names: c.470G>A, p.Arg157Gln (NM_001048172.2); c.467G>A, p.Arg156Gln (NM_001048173.2, NM_001293195.2, NM_001048171.2); c.551G>A, p.Arg184Gln (NM_001128425.2); c.512G>A, p.Arg171Gln (NM_001293190.2); c.500G>A, p.Arg167Gln (NM_001293191.2); c.191G>A, p.Arg64Gln (NM_001293192.2, NM_001293196.2); c.122G>A, p.Arg41Gln (NM_001350650.2, NM_001350651.2); c.542G>A, p.Arg181Gln (NM_012222.3); short protein forms R184Q, R170Q, R156Q, R171Q, R157Q, R167Q, R41Q, R181Q.
Identifiers: ClinVar variation 187723 (VCV000187723.29), dbSNP rs758567247, ClinGen allele CA013841.